The following is an entry in ClinVar:

NM_001130144.3(LTBP3):c.913G>A (p.Gly305Ser)

Gene: LTBP3 (latent transforming growth factor beta binding protein 3; minus strand). Cytogenetic location: 11q13.1.
Variant type: single nucleotide variant.
Coding change: c.913G>A on transcript NM_001130144.3 (MANE Select); coding-DNA position 913, G replaced by A.
Protein change: p.Gly305Ser; replaces glycine 305 with serine.
Molecular consequence: missense variant.
Genome position (GRCh38, 1-based): chr11:65,553,482, C>T on the plus strand (G>A on the coding strand, the complement: LTBP3 is on the minus strand). VCF-style: chr11-65553482-C-T. GRCh37 (hg19) VCF-style: chr11-65320953-C-T.
Other names: c.562G>A, p.Gly188Ser (NM_001164266.1); c.913G>A, p.Gly305Ser (NM_021070.4); short protein forms G305S, G188S.
Identifiers: ClinVar variation 1765937 (VCV001765937.3), dbSNP rs1446522592, ClinGen allele CA381275216.

ClinVar aggregate classification (germline): Uncertain significance (1 of 4 stars; one submission).

Conditions:
Inborn genetic diseases. Identifiers: MedGen C0950123, MeSH D030342.

Allele frequency attached by ClinVar (database versions not stated): gnomAD exomes below 0.00001.

Submission:

Ambry Genetics
Classification: Uncertain significance for Inborn genetic diseases. Last evaluated: 2025-05-30. Review status: criteria provided, single submitter. Criteria: Ambry Variant Classification Scheme 2023. Collection method: clinical testing. Allele origin: germline.
Comment: The p.G305S variant (also known as c.913G>A), located in coding exon 4 of the LTBP3 gene, results from a G to A substitution at nucleotide position 913. The glycine at codon 305 is replaced by serine, an amino acid with similar properties. This amino acid position is conserved. In addition, the in silico prediction for this alteration is inconclusive. Since supporting evidence is limited at this time, the clinical significance of this alteration remains unclear.